The following is an entry in ClinVar:

ClinVar aggregate classification (germline): Uncertain significance. Review status: criteria provided, multiple submitters, no conflicts (2 of 4 stars). 4 submissions from 4 submitters: Uncertain significance (4). Last evaluated 2025-11-09.

Conditions:
Hereditary cancer-predisposing syndrome. Also called: Neoplastic Syndromes, Hereditary; Tumor predisposition; Hereditary Cancer Syndrome; Hereditary neoplastic syndrome. Identifiers: Orphanet 140162, MedGen C0027672, MeSH D009386, MONDO:0015356.
Nijmegen breakage syndrome-like disorder (NBSLD). Also called: MICROCEPHALY AND SPONTANEOUS CHROMOSOME INSTABILITY WITHOUT IMMUNODEFICIENCY; NBS-LIKE DISORDER; RAD50 DEFICIENCY. Identifiers: Orphanet 240760, MedGen C2751318, MONDO:0013118, OMIM 613078.

Submissions (4):

Ambry Genetics
Classification: Uncertain significance for Hereditary cancer-predisposing syndrome. Last evaluated: 2025-11-09. Review status: criteria provided, single submitter. Criteria: Ambry Variant Classification Scheme 2023. Collection method: clinical testing. Allele origin: germline.
Comment: The p.A602V variant (also known as c.1805C>T), located in coding exon 12 of the RAD50 gene, results from a C to T substitution at nucleotide position 1805. The alanine at codon 602 is replaced by valine, an amino acid with similar properties. This amino acid position is well conserved in available vertebrate species. In addition, this alteration is predicted to be tolerated by in silico analysis. Since supporting evidence is limited at this time, the clinical significance of this alteration remains unclear.

Quest Diagnostics Nichols Institute San Juan Capistrano
Classification: Uncertain significance. Last evaluated: 2024-07-03. Review status: criteria provided, single submitter. Criteria: Quest Diagnostics criteria. Collection method: clinical testing. Allele origin: unknown.
Comment: The RAD50 c.1805C>T (p.Ala602Val) variant has not been reported in individuals with RAD50-related conditions in the published literature. It also has not been reported in large, multi-ethnic general populations (Genome Aggregation Database). Analysis of this variant using bioinformatics tools for the prediction of the effect of amino acid changes on protein structure and function yielded predictions that this variant is benign. Based on the available information, we are unable to determine the clinical significance of this variant.

Baylor Genetics
Classification: Uncertain significance for Nijmegen breakage syndrome-like disorder. Last evaluated: 2023-11-03. Review status: criteria provided, single submitter. Criteria: ACMG Guidelines, 2015. Collection method: clinical testing. Allele origin: unknown.

Labcorp Genetics (formerly Invitae), Labcorp
Classification: Uncertain significance for Hereditary cancer-predisposing syndrome. Last evaluated: 2022-07-19. Review status: criteria provided, single submitter. Criteria: Invitae Variant Classification Sherloc (09022015). Collection method: clinical testing. Allele origin: germline.
Comment: In summary, the available evidence is currently insufficient to determine the role of this variant in disease. Therefore, it has been classified as a Variant of Uncertain Significance. Algorithms developed to predict the effect of missense changes on protein structure and function (SIFT, PolyPhen-2, Align-GVGD) all suggest that this variant is likely to be tolerated. ClinVar contains an entry for this variant (Variation ID: 457386). This variant has not been reported in the literature in individuals affected with RAD50-related conditions. This variant is not present in population databases (gnomAD no frequency). This sequence change replaces alanine, which is neutral and non-polar, with valine, which is neutral and non-polar, at codon 602 of the RAD50 protein (p.Ala602Val).

NM_005732.4(RAD50):c.1805C>T (p.Ala602Val)

Gene: RAD50 (RAD50 double strand break repair protein; plus strand). Cytogenetic location: 5q31.1.
Variant type: single nucleotide variant.
Coding change: c.1805C>T on transcript NM_005732.4 (MANE Select); coding-DNA position 1805, C replaced by T.
Protein change: p.Ala602Val; replaces alanine 602 with valine.
Molecular consequence: missense variant.
Genome position (GRCh38, 1-based): chr5:132,594,880, C>T. VCF-style: chr5-132594880-C-T. GRCh37 (hg19) VCF-style: chr5-131930572-C-T.
Other names: short protein forms A602V.
Identifiers: ClinVar variation 457386 (VCV000457386.16), dbSNP rs1554098582, ClinGen allele CA360947412.
Genomic context (GRCh38, chr5:132,594,880, plus strand): 5'-CTAATTTCTCCTATTTTAAAATGAAAATCCATATTTGCTCTTATTTTAGCAAGGAACTAG[C>T]TTCATCTGAGCAGAATAAAAATCATATAAATAATGAACTAAAAAGAAAGGAAGAGCAGTT-3'
Protein context (NP_005723.2, residues 592-612): DRLAKLNKEL[Ala602Val]SSEQNKNHIN